The following is an entry in ClinVar:

ClinVar aggregate classification (germline): Uncertain significance (1 of 4 stars; one submission).

Conditions:
Hepatic veno-occlusive disease-immunodeficiency syndrome. Also called: Hepatic Veno-Occlusive Disease with Immunodeficiency. Identifiers: Orphanet 79124, MedGen C1856128, MONDO:0009338, OMIM 235550. Disease mechanism: loss of function.

Submissions (2):

Labcorp Genetics (formerly Invitae), Labcorp
Classification: Uncertain significance for Hepatic veno-occlusive disease-immunodeficiency syndrome. Last evaluated: 2021-08-09. Review status: criteria provided, single submitter. Criteria: Invitae Variant Classification Sherloc (09022015). Collection method: clinical testing. Allele origin: germline.
Comment: This sequence change affects a donor splice site in intron 17 of the SP110 gene. While this variant is not anticipated to result in nonsense mediated decay, it likely alters RNA splicing and results in a disrupted protein product. This variant is not present in population databases (ExAC no frequency). This variant has not been reported in the literature in individuals affected with SP110-related conditions. Variants that disrupt the consensus splice site are a relatively common cause of aberrant splicing (PMID: 17576681, 9536098). Algorithms developed to predict the effect of sequence changes on RNA splicing suggest that this variant may disrupt the consensus splice site. In summary, the available evidence is currently insufficient to determine the role of this variant in disease. Therefore, it has been classified as a Variant of Uncertain Significance.

Dr. Peter K. Rogan Lab, Western University
No classification provided (evidence only). Condition: Malignant tumor of urinary bladder. Review status: no classification provided. Collection method: in vitro. Allele origin: not applicable. Functional consequence: skipped exon. Not counted in ClinVar's aggregate classification.

Literature cited by the submitters: PubMed 17576681 (cited by Labcorp Genetics (formerly Invitae), Labcorp); PubMed 9536098 (cited by Labcorp Genetics (formerly Invitae), Labcorp).

NM_080424.4(SP110):c.2028+1G>A

Gene: SP110 (SP110 nuclear body protein; minus strand). Cytogenetic location: 2q37.1.
Variant type: single nucleotide variant.
Coding change: c.2028+1G>A on transcript NM_080424.4 (MANE Select); the canonical splice donor site of the intron after coding-DNA position 2028, G replaced by A.
Molecular consequence: splice donor variant. On other transcripts: intron variant (1).
Genome position (GRCh38, 1-based): chr2:230,170,620, C>T on the plus strand (G>A on the coding strand, the complement: SP110 is on the minus strand). VCF-style: chr2-230170620-C-T. GRCh37 (hg19) VCF-style: chr2-231035336-C-T.
Other names: c.1834-1383G>A (NM_001378446.1); c.1974+1G>A (NM_001378445.1); c.2124+1G>A (NM_001378442.1); c.2046+1G>A (NM_001378444.1); c.1956+1G>A (NM_004509.5); c.2106+1G>A (NM_001378443.1).
Identifiers: ClinVar variation 1387057 (VCV001387057.7), dbSNP rs2106342777, ClinGen allele CA350897274.
Genomic context (GRCh38, chr2:230,170,620, plus strand): 5'-TGTCCCAGAAATTAGGGGAAAGTAGAAAAGACGCAAAAAGGAAGCAGGAAATGCTCTTTA[C>T]CTTGTAAAATGTTTTATGGTTGCGAAACATCAGGCGCATGTCTCGCACAAACCATGCCAC-3'